The following is an entry in ClinVar:

ClinVar aggregate classification (germline): Uncertain significance (1 of 4 stars; one submission).

Conditions:
Duchenne muscular dystrophy (DMD). Also called: MUSCULAR DYSTROPHY, PSEUDOHYPERTROPHIC PROGRESSIVE, DUCHENNE TYPE; Duchenne Muscular Dystrophy (DMD). Identifiers: Orphanet 98896, MedGen C0013264, MONDO:0010679, OMIM 310200.

Submission:

Labcorp Genetics (formerly Invitae), Labcorp
Classification: Uncertain significance for Duchenne muscular dystrophy. Last evaluated: 2024-07-09. Review status: criteria provided, single submitter. Criteria: Invitae Variant Classification Sherloc (09022015). Collection method: clinical testing. Allele origin: germline.
Comment: This sequence change replaces histidine, which is basic and polar, with aspartic acid, which is acidic and polar, at codon 2748 of the DMD protein (p.His2748Asp). This variant is not present in population databases (gnomAD no frequency). This variant has not been reported in the literature in individuals affected with DMD-related conditions. Advanced modeling of protein sequence and biophysical properties (such as structural, functional, and spatial information, amino acid conservation, physicochemical variation, residue mobility, and thermodynamic stability) performed at Invitae indicates that this missense variant is not expected to disrupt DMD protein function with a negative predictive value of 95%. In summary, the available evidence is currently insufficient to determine the role of this variant in disease. Therefore, it has been classified as a Variant of Uncertain Significance.

NM_004006.3(DMD):c.8242C>G (p.His2748Asp)

Gene: DMD (dystrophin; minus strand). Cytogenetic location: Xp21.1.
Variant type: single nucleotide variant.
Coding change: c.8242C>G on transcript NM_004006.3 (MANE Select); coding-DNA position 8242, C replaced by G.
Protein change: p.His2748Asp; replaces histidine 2748 with aspartic acid.
Molecular consequence: missense variant.
Genome position (GRCh38, 1-based): chrX:31,507,429, G>C on the plus strand (C>G on the coding strand, the complement: DMD is on the minus strand). VCF-style: chrX-31507429-G-C. GRCh37 (hg19) VCF-style: chrX-31525546-G-C.
Other names: c.8218C>G, p.His2740Asp (NM_000109.4); c.8230C>G, p.His2744Asp (NM_004009.3); c.7873C>G, p.His2625Asp (NM_004010.3); c.4219C>G, p.His1407Asp (NM_004011.4); c.4210C>G, p.His1404Asp (NM_004012.4); c.862C>G, p.His288Asp (NM_004013.3, NM_004020.4, NM_004021.3 and 2 more transcripts); c.55C>G, p.His19Asp (NM_004014.3); short protein forms H1404D, H2740D, H2625D, H2748D, H1407D, H19D, H2744D, H288D.
Identifiers: ClinVar variation 3634800 (VCV003634800.2).